The following is an entry in ClinVar:

ClinVar aggregate classification (germline): Likely benign (0 of 4 stars; one submission).

Conditions:
DNAH14-related disorder. Also called: DNAH14-related condition.

Allele frequency attached by ClinVar (database versions not stated): TOPMed 0.01119; 1000 Genomes Project 0.01158; gnomAD exomes 0.00097; ExAC 0.00458; gnomAD 0.01006; ESP Exome Variant Server 0.01055.
gnomAD v4.1: 2,996 of 1,600,652 alleles (0.19%); highest among the groups gnomAD compares: African/African-American, 3.4%; 40 homozygotes.

Submissions (4):

PreventionGenetics, part of Exact Sciences
Classification: Likely benign for DNAH14-related condition. Last evaluated: 2023-08-04. Review status: no assertion criteria provided. Collection method: clinical testing. Allele origin: germline.
Comment: This variant is classified as likely benign based on ACMG/AMP sequence variant interpretation guidelines (Richards et al. 2015 PMID: 25741868, with internal and published modifications).

Dr. Peter K. Rogan Lab, Western University
No classification provided (evidence only). Condition: Sarcoma. Review status: no classification provided. Collection method: in vitro. Allele origin: not applicable. Functional consequence: retained intron. Not counted in ClinVar's aggregate classification.

Dr. Peter K. Rogan Lab, Western University
No classification provided (evidence only). Condition: Sarcoma. Review status: no classification provided. Collection method: in vitro. Allele origin: not applicable. Functional consequence: retained intron. Not counted in ClinVar's aggregate classification.

Dr. Peter K. Rogan Lab, Western University
No classification provided (evidence only). Condition: Malignant tumor of esophagus. Review status: no classification provided. Collection method: in vitro. Allele origin: not applicable. Functional consequence: retained intron. Not counted in ClinVar's aggregate classification.

NM_001367479.1(DNAH14):c.55G>T (p.Glu19Ter)

Gene: DNAH14 (dynein axonemal heavy chain 14; plus strand). Cytogenetic location: 1q42.12.
Variant type: single nucleotide variant.
Coding change: c.55G>T on transcript NM_001367479.1 (MANE Select); coding-DNA position 55, G replaced by T.
Protein change: p.Glu19Ter; replaces glutamic acid 19 with a stop codon.
Molecular consequence: nonsense.
Genome position (GRCh38, 1-based): chr1:224,952,757, G>T. VCF-style: chr1-224952757-G-T. GRCh37 (hg19) VCF-style: chr1-225140459-G-T.
Other names: NM_001373.1:c.55G>T; NC_000001.10:g.225140459G>T; c.55G>T, p.Glu19Ter (NM_001145154.3, NM_001349911.2, NM_001349912.2 and 2 more transcripts); short protein forms E19*.
Identifiers: ClinVar variation 3033978 (VCV003033978.3), dbSNP rs61745064, ClinGen allele CA1415438.